The following is an entry in ClinVar:

NM_024334.3(TMEM43):c.218C>G (p.Ser73Cys)

Gene: TMEM43 (transmembrane protein 43; plus strand). Cytogenetic location: 3p25.1.
Variant type: single nucleotide variant.
Coding change: c.218C>G on transcript NM_024334.3 (MANE Select); coding-DNA position 218, C replaced by G.
Protein change: p.Ser73Cys; replaces serine 73 with cysteine.
Molecular consequence: missense variant.
Genome position (GRCh38, 1-based): chr3:14,130,877, C>G. VCF-style: chr3-14130877-C-G. GRCh37 (hg19) VCF-style: chr3-14172377-C-G.
Other names: short protein forms S73C.
Identifiers: ClinVar variation 642477 (VCV000642477.2), dbSNP rs200652985, ClinGen allele CA351534590.
Genomic context (GRCh38, chr3:14,130,877, plus strand): 5'-CCCAGGGCCGCGCATTGAAGACGGCAACCTCATTGGCTGAGGGGCTCTCGCTTGTGGTGT[C>G]TCCCGACAGCATCCACAGTGTGGCTCCGGAGAATGAAGGAAGGCTGGTGCACATCATTGG-3'
Protein context (NP_077310.1, residues 63-83): SLAEGLSLVV[Ser73Cys]PDSIHSVAPE

ClinVar aggregate classification (germline): Uncertain significance (1 of 4 stars; one submission).

Conditions:
Arrhythmogenic right ventricular dysplasia 5. Also called: Arrhythmogenic Right Ventricular Dysplasia/Cardiomyopathy 5; ARRHYTHMOGENIC RIGHT VENTRICULAR DYSPLASIA, FAMILIAL, 5. Identifiers: MedGen C1858379, MONDO:0011459, OMIM 604400.

Submission:

Labcorp Genetics (formerly Invitae), Labcorp
Classification: Uncertain significance for Arrhythmogenic right ventricular dysplasia 5. Last evaluated: 2025-09-04. Review status: criteria provided, single submitter. Criteria: Invitae Variant Classification Sherloc (09022015). Collection method: clinical testing. Allele origin: germline.
Comment: This sequence change replaces serine, which is neutral and polar, with cysteine, which is neutral and slightly polar, at codon 73 of the TMEM43 protein (p.Ser73Cys). This variant is not present in population databases (gnomAD no frequency). This variant has not been reported in the literature in individuals affected with TMEM43-related conditions. ClinVar contains an entry for this variant (Variation ID: 642477). Invitae Evidence Modeling of protein sequence and biophysical properties (such as structural, functional, and spatial information, amino acid conservation, physicochemical variation, residue mobility, and thermodynamic stability) indicates that this missense variant is not expected to disrupt TMEM43 protein function with a negative predictive value of 80%. In summary, the available evidence is currently insufficient to determine the role of this variant in disease. Therefore, it has been classified as a Variant of Uncertain Significance.